The following is an entry in ClinVar:

ClinVar aggregate classification (germline): Uncertain significance (1 of 4 stars; one submission).

Conditions:
Familial cancer of breast. Also called: BREAST CANCER, FAMILIAL; hereditary breast carcinoma; Hereditary breast cancer. Identifiers: Orphanet 227535, MedGen C0346153, MONDO:0016419, OMIM 114480. Disease mechanism: loss of function.

Submission:

Labcorp Genetics (formerly Invitae), Labcorp
Classification: Uncertain significance for Familial cancer of breast. Last evaluated: 2018-05-31. Review status: criteria provided, single submitter. Criteria: Invitae Variant Classification Sherloc (09022015). Collection method: clinical testing. Allele origin: germline.
Comment: This sequence change replaces serine with alanine at codon 354 of the PALB2 protein (p.Ser354Ala). The serine residue is highly conserved and there is a moderate physicochemical difference between serine and alanine. This variant is not present in population databases (ExAC no frequency). This variant has not been reported in the literature in individuals with PALB2-related disease. Algorithms developed to predict the effect of missense changes on protein structure and function (SIFT, PolyPhen-2, Align-GVGD) all suggest that this variant is likely to be tolerated, but these predictions have not been confirmed by published functional studies and their clinical significance is uncertain. In summary, the available evidence is currently insufficient to determine the role of this variant in disease. Therefore, it has been classified as a Variant of Uncertain Significance.

NM_024675.4(PALB2):c.1060T>G (p.Ser354Ala)

Gene: PALB2 (partner and localizer of BRCA2; minus strand). Cytogenetic location: 16p12.2.
Variant type: single nucleotide variant.
Coding change: c.1060T>G on transcript NM_024675.4 (MANE Select); coding-DNA position 1060, T replaced by G.
Protein change: p.Ser354Ala; replaces serine 354 with alanine.
Molecular consequence: missense variant.
Genome position (GRCh38, 1-based): chr16:23,635,486, A>C on the plus strand (T>G on the coding strand, the complement: PALB2 is on the minus strand). VCF-style: chr16-23635486-A-C. GRCh37 (hg19) VCF-style: chr16-23646807-A-C.
Other names: short protein forms S354A.
Identifiers: ClinVar variation 581317 (VCV000581317.9), dbSNP rs1567221680, ClinGen allele CA395134075.
Genomic context (GRCh38, chr16:23,635,486, plus strand): 5'-TCTCACTTTCCTGAAGATTTTCATTCCTGCCATCAAGAGTGTCACTGGGAGATTTTAAAG[A>C]TTTCTCTGTTTGATTTTGTTCTTTTAAGTTTTGGTTTTCATTTGCTGGTAAGTTATTGTA-3'
Protein context (NP_078951.2, residues 344-364): NLKEQNQTEK[Ser354Ala]LKSPSDTLDG